The following is an entry in ClinVar:

ClinVar aggregate classification (germline): Uncertain significance. Review status: criteria provided, single submitter (1 of 4 stars). 2 submissions from 2 submitters: Uncertain significance (1). 1 of the submissions does not count toward it. Last evaluated 2020-06-23.

Conditions:
F8-related disorder. Also called: F8-related condition.

Submissions (2):

Mayo Clinic Laboratories, Mayo Clinic
Classification: Uncertain significance. Last evaluated: 2020-06-23. Review status: criteria provided, single submitter. Criteria: ACMG Guidelines, 2015. Collection method: clinical testing. Allele origin: germline. Observed: 1 variant allele.

PreventionGenetics, part of Exact Sciences
Classification: Uncertain significance for F8-related condition. Last evaluated: 2024-08-08. Review status: no assertion criteria provided. Collection method: clinical testing. Allele origin: germline. Not counted in ClinVar's aggregate classification.
Comment: The F8 c.476T>C variant is predicted to result in the amino acid substitution p.Val159Ala. This variant, also described as p.Val140Ala using legacy nomenclature, has been reported in an individual with hemophilia A (Liu et al. 1998. PubMed ID: 9886318). This variant has not been reported in a large population database, indicating this variant is rare. At this time, the clinical significance of this variant is uncertain due to the absence of conclusive functional and genetic evidence.

NM_000132.4(F8):c.476T>C (p.Val159Ala)

Gene: F8 (coagulation factor VIII; minus strand). Cytogenetic location: Xq28.
Variant type: single nucleotide variant.
Coding change: c.476T>C on transcript NM_000132.4 (MANE Select); coding-DNA position 476, T replaced by C.
Protein change: p.Val159Ala; replaces valine 159 with alanine.
Molecular consequence: missense variant.
Genome position (GRCh38, 1-based): chrX:154,993,061, A>G on the plus strand (T>C on the coding strand, the complement: F8 is on the minus strand). VCF-style: chrX-154993061-A-G. GRCh37 (hg19) VCF-style: chrX-154221336-A-G.
Other names: short protein forms V159A.
Identifiers: ClinVar variation 1163211 (VCV001163211.7), dbSNP rs2124141036, ClinGen allele CA414919632.
Genomic context (GRCh38, chrX:154,993,061, plus strand): 5'-GAAAGATATGAGTAGGTAAGGCACAGTGGGTCAGAGGCCATTGGACCATTCTCTTTCAGG[A>G]CCTGCCAGACATATGTATGGCTTCCACCAGGGAAGACTTTATCATCTTCTTTCTCCCTTT-3'
Protein context (NP_000123.1, residues 149-169): PGGSHTYVWQ[Val159Ala]LKENGPMASD